The following is an entry in ClinVar:

ClinVar aggregate classification (germline): Likely pathogenic (1 of 4 stars; one submission).

Conditions:
Breast-ovarian cancer, familial, susceptibility to, 2 (BROVCA2). Also called: BRCA2 Hereditary Breast and Ovarian Cancer. Identifiers: Orphanet 145, MedGen C2675520, MONDO:0012933, OMIM 612555. Disease mechanism: loss of function.

Submission:

EVOGEN
Classification: Likely pathogenic for Breast-ovarian cancer, familial, susceptibility to, 2. Last evaluated: 2024-09-04. Review status: criteria provided, single submitter. Criteria: ACMG Guidelines, 2015. Collection method: clinical testing. Allele origin: germline. Affected: yes.
Comment: PVS1: Null variant (frame-shift) in gene BRCA2, predicted to cause NMD. Loss-of-function is a known mechanism of disease (gene has 5 493 reported pathogenic LOF variants). The exon affects 1 functional domain: UniProt protein BRCA2_HUMAN region of interest 'Interaction with RAD51'. The exon contains 2 723 pathogenic variants. The truncated region contains 2 763 pathogenic variants. PM2: Variant not found in gnomAD genomes, good gnomAD genomes coverage = 31.6. Variant not found in gnomAD exomes, good gnomAD exomes coverage = 56.3. Moscow City Health Department financial support

NM_000059.4(BRCA2):c.5379dup (p.Val1794fs)

Gene: BRCA2 (BRCA2 DNA repair associated; plus strand). Cytogenetic location: 13q13.1.
Variant type: Duplication.
Coding change: c.5379dup on transcript NM_000059.4 (MANE Select); coding-DNA position 5379, one base duplicated (T; older notation c.5379dupT).
Protein change: p.Val1794fs; shifts the reading frame from valine 1794.
Molecular consequence: frameshift variant. On other transcripts: non-coding transcript variant (1), intron variant (2).
Genome position (GRCh38, 1-based): chr13:32,339,734, T duplicated. VCF-style (leftmost placement, unchanged base first): chr13-32339733-A-AT. GRCh37 (hg19) VCF-style: chr13-32913870-A-AT.
Other names: c.5379dup, p.Val1794fs (NM_001406719.1, NM_001406720.1, NM_001432077.1); c.1910-4824dup (NM_001406721.1); c.425-4824dup (NM_001406722.1); short protein forms V1794fs.
Identifiers: ClinVar variation 4690232 (VCV004690232.1).